The following is an entry in ClinVar:

NM_005732.4(RAD50):c.800A>T (p.Lys267Ile)

Gene: RAD50 (RAD50 double strand break repair protein; plus strand). Cytogenetic location: 5q31.1.
Variant type: single nucleotide variant.
Coding change: c.800A>T on transcript NM_005732.4 (MANE Select); coding-DNA position 800, A replaced by T.
Protein change: p.Lys267Ile; replaces lysine 267 with isoleucine.
Molecular consequence: missense variant.
Genome position (GRCh38, 1-based): chr5:132,587,605, A>T. VCF-style: chr5-132587605-A-T. GRCh37 (hg19) VCF-style: chr5-131923297-A-T.
Other names: short protein forms K267I.
Identifiers: ClinVar variation 3016768 (VCV003016768.3), dbSNP rs2479631671, ClinGen allele CA360940146.
Genomic context (GRCh38, chr5:132,587,605, plus strand): 5'-TGTTTCTTTATTTTCAGAATCGTCTAAAAGAAATTGAACATAATCTCTCTAAAATAATGA[A>T]ACTTGACAATGAAATTAAAGCCTTGGATAGCCGAAAGAAGCAAATGGAGAAAGATAATAG-3'
Protein context (NP_005723.2, residues 257-277): EIEHNLSKIM[Lys267Ile]LDNEIKALDS

ClinVar aggregate classification (germline): Uncertain significance (1 of 4 stars; one submission).

Conditions:
Hereditary cancer-predisposing syndrome. Also called: Neoplastic Syndromes, Hereditary; Tumor predisposition; Hereditary neoplastic syndrome; Hereditary Cancer Syndrome. Identifiers: Orphanet 140162, MedGen C0027672, MeSH D009386, MONDO:0015356.

Submission:

Labcorp Genetics (formerly Invitae), Labcorp
Classification: Uncertain significance for Hereditary cancer-predisposing syndrome. Last evaluated: 2023-02-14. Review status: criteria provided, single submitter. Criteria: Invitae Variant Classification Sherloc (09022015). Collection method: clinical testing. Allele origin: germline.
Comment: This sequence change replaces lysine, which is basic and polar, with isoleucine, which is neutral and non-polar, at codon 267 of the RAD50 protein (p.Lys267Ile). This variant is not present in population databases (gnomAD no frequency). This variant has not been reported in the literature in individuals affected with RAD50-related conditions. Advanced modeling of protein sequence and biophysical properties (such as structural, functional, and spatial information, amino acid conservation, physicochemical variation, residue mobility, and thermodynamic stability) performed at Invitae indicates that this missense variant is expected to disrupt RAD50 protein function. In summary, the available evidence is currently insufficient to determine the role of this variant in disease. Therefore, it has been classified as a Variant of Uncertain Significance.